The following is an entry in ClinVar:

ClinVar aggregate classification (germline): Uncertain significance (1 of 4 stars; one submission).

Allele frequency attached by ClinVar (database versions not stated): gnomAD exomes below 0.00001.
gnomAD v4.1: 4 of 1,614,202 alleles (0.00025%); highest among the groups gnomAD compares: Admixed American, 0.0017%; no homozygotes.

Submission:

Labcorp Genetics (formerly Invitae), Labcorp
Classification: Uncertain significance. Last evaluated: 2022-09-12. Review status: criteria provided, single submitter. Criteria: Invitae Variant Classification Sherloc (09022015). Collection method: clinical testing. Allele origin: germline.
Comment: This variant has not been reported in the literature in individuals affected with NFKB1-related conditions. This variant is present in population databases (no rsID available, gnomAD 0.003%). This sequence change replaces isoleucine, which is neutral and non-polar, with valine, which is neutral and non-polar, at codon 634 of the NFKB1 protein (p.Ile634Val). Advanced modeling of protein sequence and biophysical properties (such as structural, functional, and spatial information, amino acid conservation, physicochemical variation, residue mobility, and thermodynamic stability) performed at Invitae indicates that this missense variant is not expected to disrupt NFKB1 protein function. In summary, the available evidence is currently insufficient to determine the role of this variant in disease. Therefore, it has been classified as a Variant of Uncertain Significance.

NM_003998.4(NFKB1):c.1900A>G (p.Ile634Val)

Gene: NFKB1 (nuclear factor kappa B subunit 1; plus strand). Cytogenetic location: 4q24.
Variant type: single nucleotide variant.
Coding change: c.1900A>G on transcript NM_003998.4 (MANE Select); coding-DNA position 1900, A replaced by G.
Protein change: p.Ile634Val; replaces isoleucine 634 with valine.
Molecular consequence: missense variant.
Genome position (GRCh38, 1-based): chr4:102,606,643, A>G. VCF-style: chr4-102606643-A-G. GRCh37 (hg19) VCF-style: chr4-103527800-A-G.
Other names: c.1897A>G, p.Ile633Val (NM_001165412.2, NM_001319226.2, NM_001382627.1); c.1900A>G, p.Ile634Val (NM_001382625.1, NM_001382626.1); c.1858A>G, p.Ile620Val (NM_001382628.1); short protein forms I620V, I633V, I634V.
Identifiers: ClinVar variation 1718494 (VCV001718494.5), dbSNP rs1312469339, ClinGen allele CA357752140.
Genomic context (GRCh38, chr4:102,606,643, plus strand): 5'-CGCTTGGGTAACTCTGTTTTGCACCTAGCTGCCAAAGAAGGACATGATAAAGTTCTCAGT[A>G]TCTTACTCAAGCACAAAAAGGCAGCACTACTTCTTGACCACCCCAACGGGGACGGTAAGA-3'
Protein context (NP_003989.2, residues 624-644): AKEGHDKVLS[Ile634Val]LLKHKKAALL